The following is an entry in ClinVar:

NM_024105.4(ALG12):c.687_688del (p.Tyr230fs)

Gene: ALG12 (ALG12 alpha-1,6-mannosyltransferase; minus strand). Cytogenetic location: 22q13.33.
Variant type: Deletion.
Coding change: c.687_688del on transcript NM_024105.4 (MANE Select); coding-DNA positions 687 to 688, 2 bases deleted (TT; older notation c.687_688delTT).
Protein change: p.Tyr230fs; shifts the reading frame from tyrosine 230.
Molecular consequence: frameshift variant.
Genome position (GRCh38, 1-based): chr22:49,909,324-49,909,325, AA deleted on the plus strand (TT on the coding strand, the reverse complement: ALG12 is on the minus strand). VCF-style (leftmost placement, unchanged base first): chr22-49909323-TAA-T. GRCh37 (hg19) VCF-style: chr22-50302971-TAA-T.
Other names: short protein forms Y230fs.
Identifiers: ClinVar variation 1698031 (VCV001698031.2), dbSNP rs756534747, ClinGen allele CA10300505.

ClinVar aggregate classification (germline): Likely pathogenic (1 of 4 stars; one submission).

Allele frequency attached by ClinVar (database versions not stated): gnomAD exomes below 0.00001; ExAC 0.00001.

Submission:

GeneDx
Classification: Likely pathogenic. Last evaluated: 2022-07-19. Review status: criteria provided, single submitter. Criteria: GeneDx Variant Classification Process June 2021. Collection method: clinical testing. Allele origin: germline. Affected: yes.
Comment: Frameshift variant predicted to result in protein truncation or nonsense mediated decay in a gene for which loss-of-function is a known mechanism of disease; Not observed at significant frequency in large population cohorts (gnomAD); Has not been previously published as pathogenic or benign to our knowledge